The following is an entry in ClinVar:

ClinVar aggregate classification (germline): Benign. Review status: criteria provided, multiple submitters, no conflicts (2 of 4 stars). 3 submissions from 3 submitters: Benign (3). Last evaluated 2026-01-19.

Allele frequency attached by ClinVar (database versions not stated): 1000 Genomes Project 30x 0.00156; 1000 Genomes Project 0.00180; gnomAD 0.00291 and 0.00327; ESP Exome Variant Server 0.00339; gnomAD exomes 0.00457 and 0.00536; ExAC 0.00700.

Submissions (3):

Labcorp Genetics (formerly Invitae), Labcorp
Classification: Benign. Last evaluated: 2026-01-19. Review status: criteria provided, single submitter. Criteria: Invitae Variant Classification Sherloc (09022015). Collection method: clinical testing. Allele origin: germline.

CeGaT Center for Human Genetics Tuebingen
Classification: Benign. Last evaluated: 2023-08-01. Review status: criteria provided, single submitter. Criteria: CeGaT Center For Human Genetics Tuebingen Variant Classification Criteria Version 2. Collection method: clinical testing. Allele origin: germline. Affected: yes. Observed: 1 variant allele.
Comment: PALM: BP4, BS1, BS2

Breakthrough Genomics
Classification: Benign. Review status: criteria provided, single submitter. Criteria: ACMG Guidelines, 2015. Collection method: not provided. Allele origin: germline. Inheritance: Unknown mechanism. Affected: yes.

NM_002579.3(PALM):c.587G>A (p.Arg196Gln)

Gene: PALM (paralemmin; plus strand). Cytogenetic location: 19p13.3.
Variant type: single nucleotide variant.
Coding change: c.587G>A on transcript NM_002579.3 (MANE Select); coding-DNA position 587, G replaced by A.
Protein change: p.Arg196Gln; replaces arginine 196 with glutamine.
Molecular consequence: missense variant. On other transcripts: intron variant (1).
Genome position (GRCh38, 1-based): chr19:740,436, G>A. VCF-style: chr19-740436-G-A. GRCh37 (hg19) VCF-style: chr19-740436-G-A.
Other names: c.502+4358G>A (NM_001040134.2); short protein forms R196Q.
Identifiers: ClinVar variation 1665159 (VCV001665159.33), dbSNP rs149788617, ClinGen allele CA9022695.